The following is an entry in ClinVar:

NM_004329.3(BMPR1A):c.796A>G (p.Thr266Ala)

Gene: BMPR1A (bone morphogenetic protein receptor type 1A; plus strand). Cytogenetic location: 10q23.2.
Variant type: single nucleotide variant.
Coding change: c.796A>G on transcript NM_004329.3 (MANE Select); coding-DNA position 796, A replaced by G.
Protein change: p.Thr266Ala; replaces threonine 266 with alanine.
Molecular consequence: missense variant.
Genome position (GRCh38, 1-based): chr10:86,917,254, A>G. VCF-style: chr10-86917254-A-G. GRCh37 (hg19) VCF-style: chr10-88677011-A-G.
Other names: short protein forms T266A.
Identifiers: ClinVar variation 1425624 (VCV001425624.23), dbSNP rs1273972467, ClinGen allele CA377458201.

ClinVar aggregate classification (germline): Uncertain significance. Review status: criteria provided, multiple submitters, no conflicts (2 of 4 stars). 5 submissions from 5 submitters: Uncertain significance (5). Last evaluated 2025-04-10.

Conditions:
Hereditary cancer-predisposing syndrome. Also called: Hereditary neoplastic syndrome; Tumor predisposition; Hereditary Cancer Syndrome; Neoplastic Syndromes, Hereditary. Identifiers: Orphanet 140162, MedGen C0027672, MeSH D009386, MONDO:0015356.
Juvenile polyposis syndrome (JPS). Identifiers: Orphanet 2929, MedGen C0345893, MONDO:0017380, OMIM 174900.

Allele frequency attached by ClinVar (database versions not stated): gnomAD exomes below 0.00001 and 0.00001.
gnomAD v4.1: 5 of 1,613,984 alleles (0.00031%); highest among the groups gnomAD compares: South Asian, 0.0011%; no homozygotes.

Submissions (5):

Labcorp Genetics (formerly Invitae), Labcorp
Classification: Uncertain significance for Juvenile polyposis syndrome. Last evaluated: 2025-04-10. Review status: criteria provided, single submitter. Criteria: Invitae Variant Classification Sherloc (09022015). Collection method: clinical testing. Allele origin: germline.
Comment: This sequence change replaces threonine, which is neutral and polar, with alanine, which is neutral and non-polar, at codon 266 of the BMPR1A protein (p.Thr266Ala). This variant is present in population databases (no rsID available, gnomAD 0.0009%). This variant has not been reported in the literature in individuals affected with BMPR1A-related conditions. ClinVar contains an entry for this variant (Variation ID: 1425624). Invitae Evidence Modeling of protein sequence and biophysical properties (such as structural, functional, and spatial information, amino acid conservation, physicochemical variation, residue mobility, and thermodynamic stability) indicates that this missense variant is not expected to disrupt BMPR1A protein function with a negative predictive value of 80%. In summary, the available evidence is currently insufficient to determine the role of this variant in disease. Therefore, it has been classified as a Variant of Uncertain Significance.

Center for Genomic Medicine, Rigshospitalet, Copenhagen University Hospital
Classification: Uncertain significance. Last evaluated: 2025-03-04. Review status: criteria provided, single submitter. Criteria: ACMG Guidelines, 2015. Collection method: clinical testing. Allele origin: germline.

Ambry Genetics
Classification: Uncertain significance for Hereditary cancer-predisposing syndrome. Last evaluated: 2024-11-22. Review status: criteria provided, single submitter. Criteria: Ambry Variant Classification Scheme 2023. Collection method: clinical testing. Allele origin: germline.
Comment: The p.T266A variant (also known as c.796A>G), located in coding exon 7 of the BMPR1A gene, results from an A to G substitution at nucleotide position 796. The threonine at codon 266 is replaced by alanine, an amino acid with similar properties. This amino acid position is not well conserved in available vertebrate species. In addition, this alteration is predicted to be tolerated by in silico analysis. Based on the available evidence, the clinical significance of this variant remains unclear.

Color Diagnostics, LLC DBA Color Health
Classification: Uncertain significance for Hereditary cancer-predisposing syndrome. Last evaluated: 2024-03-18. Review status: criteria provided, single submitter. Criteria: ACMG Guidelines, 2015. Collection method: clinical testing. Allele origin: germline.
Comment: This missense variant replaces threonine with alanine at codon 266 of the BMPR1A protein. Computational prediction suggests that this variant may not impact protein structure and function (internally defined REVEL score threshold <= 0.5, PMID: 27666373). To our knowledge, functional studies have not been reported for this variant. This variant has not been reported in individuals affected with BMPR1A-related disorders in the literature. This variant has been identified in 1/250988 chromosomes in the general population by the Genome Aggregation Database (gnomAD). The available evidence is insufficient to determine the role of this variant in disease conclusively. Therefore, this variant is classified as a Variant of Uncertain Significance.

Sema4
Classification: Uncertain significance for Hereditary cancer-predisposing syndrome. Last evaluated: 2021-08-09. Review status: criteria provided, single submitter. Criteria: Sema4 Curation Guidelines. Collection method: curation. Allele origin: germline.
Comment: The BMPR1A c.796A>G (p.T266A) variant has not been reported in the literature to our knowledge. It was observed in 1/113510 chromosomes of the European (non-Finnish) subpopulation in the large and broad cohorts of the Genome Aggregation Database (PMID: 32461654) but has not been reported in ClinVar. Functional studies have not been performed, and in silico predictions of the variant's effect on protein function are inconclusive. The evidence is insufficient to meet ACMG/AMP criteria for classifying the variant as benign or pathogenic. Thus, the clinical significance of this variant is currently uncertain.